The following is an entry in ClinVar:

NM_031844.3(HNRNPU):c.421G>A (p.Gly141Arg)

Gene: HNRNPU (heterogeneous nuclear ribonucleoprotein U; minus strand). Cytogenetic location: 1q44.
Variant type: single nucleotide variant.
Coding change: c.421G>A on transcript NM_031844.3 (MANE Select); coding-DNA position 421, G replaced by A.
Protein change: p.Gly141Arg; replaces glycine 141 with arginine.
Molecular consequence: missense variant.
Genome position (GRCh38, 1-based): chr1:244,863,887, C>T on the plus strand (G>A on the coding strand, the complement: HNRNPU is on the minus strand). VCF-style: chr1-244863887-C-T. GRCh37 (hg19) VCF-style: chr1-245027189-C-T.
Other names: c.421G>A, p.Gly141Arg (NM_004501.3); short protein forms G141R.
Identifiers: ClinVar variation 1805801 (VCV001805801.3), dbSNP rs2527895152, ClinGen allele CA345497154.

ClinVar aggregate classification (germline): Conflicting classifications of pathogenicity. Review status: criteria provided, conflicting classifications (1 of 4 stars). 2 submissions from 2 submitters: Uncertain significance (1); Likely benign (1). Last evaluated 2024-07-29.

Conditions:
Developmental and epileptic encephalopathy, 54. Also called: HNRNPU-Related Neurodevelopmental Disorder; Epileptic encephalopathy, early infantile, 54. Identifiers: MedGen C4479319, MONDO:0033363, OMIM 617391.

Submissions (2):

Labcorp Genetics (formerly Invitae), Labcorp
Classification: Likely benign for Developmental and epileptic encephalopathy, 54. Last evaluated: 2024-07-29. Review status: criteria provided, single submitter. Criteria: Invitae Variant Classification Sherloc (09022015). Collection method: clinical testing. Allele origin: germline.

Victorian Clinical Genetics Services, Murdoch Childrens Research Institute
Classification: Uncertain significance for Developmental and epileptic encephalopathy, 54. Last evaluated: 2020-05-21. Review status: criteria provided, single submitter. Criteria: ACMG Guidelines, 2015. Collection method: clinical testing. Allele origin: germline. Inheritance: Autosomal dominant inheritance. Affected: yes.
Comment: Based on the classification scheme VCGS_Germline_v1.1.1, this variant is classified as 3B - VUS. Following criteria are met: 0102 - Loss-of-function is a known mechanism of disease for this gene. (N) 0107 - This gene is known to be associated with autosomal dominant disease. (N) 0200 - Variant is predicted to result in a missense amino acid change from a glycine to an arginine (exon 1). (N) 0251 - Variant is heterozygous. (N) 0301 - Variant is absent from gnomAD. (P) 0502 - Missense variant with conflicting in silico predictions and/or uninformative conservation. (N) 0604 - Variant is not located in an established domain, motif, hotspot or informative constraint region. (N) 0705 - No comparable variants have previous evidence for pathogenicity. (N) 0807 - Variant has not previously been reported in a clinical context. (N) 0905 - No segregation evidence has been identified for this variant. (N) 1007 - No published functional evidence has been identified for this variant. (N) 1208 - Inheritance information for this variant is not currently available. (N) Legend: (P) - Pathogenic, (N) - Neutral, (B) - Benign